The following is an entry in ClinVar:

ClinVar aggregate classification (germline): Benign. Review status: criteria provided, multiple submitters, no conflicts (2 of 4 stars). 2 submissions from 2 submitters: Benign (2). Last evaluated 2018-06-14.

Allele frequency attached by ClinVar (database versions not stated): 1000 Genomes Project 0.67891; 1000 Genomes Project 30x 0.68036; gnomAD exomes 0.71621; TOPMed 0.72977; gnomAD 0.73438 and 0.74121.
gnomAD v4.1: 625,783 of 869,844 alleles (72%); highest among the groups gnomAD compares: African/African-American, 77%; 226,780 homozygotes.

Submissions (2):

GeneDx
Classification: Benign. Last evaluated: 2018-06-14. Review status: criteria provided, single submitter. Criteria: GeneDx Variant Classification (06012015). Collection method: clinical testing. Allele origin: germline. Affected: yes.
Comment: This variant is considered likely benign or benign based on one or more of the following criteria: it is a conservative change, it occurs at a poorly conserved position in the protein, it is predicted to be benign by multiple in silico algorithms, and/or has population frequency not consistent with disease.

Breakthrough Genomics
Classification: Benign. Review status: criteria provided, single submitter. Criteria: ACMG Guidelines, 2015. Collection method: not provided. Allele origin: germline. Inheritance: Unknown mechanism. Affected: yes.

NM_006393.3(NEBL):c.684+101A>G

Gene: NEBL (nebulette; minus strand). Cytogenetic location: 10p12.31.
Variant type: single nucleotide variant.
Coding change: c.684+101A>G on transcript NM_006393.3 (MANE Select); 101 bases into the intron after coding-DNA position 684, A replaced by G.
Molecular consequence: intron variant.
Genome position (GRCh38, 1-based): chr10:20,868,563, T>C on the plus strand (A>G on the coding strand, the complement: NEBL is on the minus strand). VCF-style: chr10-20868563-T-C. GRCh37 (hg19) VCF-style: chr10-21157492-T-C.
Other names: c.250-55623A>G (NM_001377326.1, NM_001377327.1, NM_001377328.1); c.358-55623A>G (NM_213569.2, NM_001173484.2, NM_001377322.1); c.301-55623A>G (NM_001377324.1); c.292-55623A>G (NM_001377325.1); c.310-55623A>G (NM_001377323.1).
Identifiers: ClinVar variation 672881 (VCV000672881.2), dbSNP rs2296609, ClinGen allele CA204203399.